The following is an entry in ClinVar:

NM_020693.4(DSCAML1):c.2027C>T (p.Ala676Val)

Gene: DSCAML1 (DS cell adhesion molecule like 1; minus strand). Cytogenetic location: 11q23.3.
Variant type: single nucleotide variant.
Coding change: c.2027C>T on transcript NM_020693.4 (MANE Select); coding-DNA position 2027, C replaced by T.
Protein change: p.Ala676Val; replaces alanine 676 with valine.
Molecular consequence: missense variant.
Genome position (GRCh38, 1-based): chr11:117,505,489, G>A on the plus strand (C>T on the coding strand, the complement: DSCAML1 is on the minus strand). VCF-style: chr11-117505489-G-A. GRCh37 (hg19) VCF-style: chr11-117376204-G-A.
Other names: c.2027C>T, p.Ala676Val (NM_001367904.1); short protein forms A676V.
Identifiers: ClinVar variation 2709750 (VCV002709750.3), dbSNP rs2543233240, ClinGen allele CA382755013.

ClinVar aggregate classification (germline): Uncertain significance (1 of 4 stars; one submission).

Submission:

Labcorp Genetics (formerly Invitae), Labcorp
Classification: Uncertain significance. Last evaluated: 2024-01-17. Review status: criteria provided, single submitter. Criteria: Invitae Variant Classification Sherloc (09022015). Collection method: clinical testing. Allele origin: germline.
Comment: This sequence change replaces alanine, which is neutral and non-polar, with valine, which is neutral and non-polar, at codon 736 of the DSCAML1 protein (p.Ala736Val). This variant is not present in population databases (gnomAD no frequency). This variant has not been reported in the literature in individuals affected with DSCAML1-related conditions. An algorithm developed to predict the effect of missense changes on protein structure and function (PolyPhen-2) suggests that this variant is likely to be disruptive. In summary, the available evidence is currently insufficient to determine the role of this variant in disease. Therefore, it has been classified as a Variant of Uncertain Significance.